The following is an entry in ClinVar:

ClinVar aggregate classification (germline): Pathogenic (1 of 4 stars; one submission).

Conditions:
Primary ciliary dyskinesia. Also called: Ciliary dyskinesia. Identifiers: Orphanet 244, MedGen C0008780, MONDO:0016575, HP:0012265.

Submission:

Labcorp Genetics (formerly Invitae), Labcorp
Classification: Pathogenic for Primary ciliary dyskinesia. Last evaluated: 2024-01-02. Review status: criteria provided, single submitter. Criteria: Invitae Variant Classification Sherloc (09022015). Collection method: clinical testing. Allele origin: germline.
Comment: This sequence change creates a premature translational stop signal (p.Val2694Alafs*21) in the DNAH8 gene. It is expected to result in an absent or disrupted protein product. Loss-of-function variants in DNAH8 are known to be pathogenic (PMID: 24307375, 32619401, 32681648). This variant is not present in population databases (gnomAD no frequency). This variant has not been reported in the literature in individuals affected with DNAH8-related conditions. For these reasons, this variant has been classified as Pathogenic.

Literature cited by the submitters: PubMed 24307375; PubMed 32619401; PubMed 32681648.

NM_001206927.2(DNAH8):c.8081_8085del (p.Val2694fs)

Gene: DNAH8 (dynein axonemal heavy chain 8; plus strand). Cytogenetic location: 6p21.2.
Variant type: Deletion.
Coding change: c.8081_8085del on transcript NM_001206927.2 (MANE Select); coding-DNA positions 8081 to 8085, 5 bases deleted (TACAG; older notation c.8081_8085delTACAG).
Protein change: p.Val2694fs; shifts the reading frame from valine 2694.
Molecular consequence: frameshift variant.
Genome position (GRCh38, 1-based): chr6:38,883,401-38,883,405, TACAG deleted; deleting any 5 consecutive bases within chr6:38,883,399-38,883,405 gives the same sequence; the c. name uses the placement nearest the transcript's 3' end. VCF-style (leftmost placement, unchanged base first): chr6-38883398-AAGTAC-A. GRCh37 (hg19) VCF-style: chr6-38851174-AAGTAC-A.
Other names: c.7430_7434del, p.Val2477fs (NM_001371.4); short protein forms V2694fs, V2477fs.
Identifiers: ClinVar variation 2706964 (VCV002706964.3), dbSNP rs2533205148, ClinGen allele CA2697553348.